The following is an entry in ClinVar:

ClinVar aggregate classification (germline): Pathogenic. Review status: criteria provided, multiple submitters, no conflicts (2 of 4 stars). 4 submissions from 4 submitters: Pathogenic (4). Last evaluated 2025-10-06.

Conditions:
Hereditary cancer-predisposing syndrome. Also called: Tumor predisposition; Hereditary neoplastic syndrome; Neoplastic Syndromes, Hereditary; Hereditary Cancer Syndrome. Identifiers: Orphanet 140162, MedGen C0027672, MeSH D009386, MONDO:0015356.
Familial adenomatous polyposis 1 (FAP1). Also called: POLYPOSIS, ADENOMATOUS INTESTINAL; FAMILIAL ADENOMATOUS POLYPOSIS 1, ATTENUATED. Identifiers: MedGen C2713442, MONDO:0021056, OMIM 175100. Disease mechanism: loss of function.

Submissions (4):

Institute of Human Genetics, University of Leipzig Medical Center
Classification: Pathogenic for Familial adenomatous polyposis 1. Last evaluated: 2025-10-06. Review status: criteria provided, single submitter. Criteria: ACMG Guidelines, 2015. Collection method: clinical testing. Allele origin: unknown. Inheritance: Autosomal dominant inheritance. Affected: yes.
Comment: Criteria applied: PVS1,PS4_SUP,PM2_SUP

Labcorp Genetics (formerly Invitae), Labcorp
Classification: Pathogenic for Familial adenomatous polyposis 1. Last evaluated: 2025-09-07. Review status: criteria provided, single submitter. Criteria: Invitae Variant Classification Sherloc (09022015). Collection method: clinical testing. Allele origin: germline.
Comment: This sequence change creates a premature translational stop signal (p.Gln1035*) in the APC gene. While this is not anticipated to result in nonsense mediated decay, it is expected to disrupt the last 1809 amino acid(s) of the APC protein. This variant is not present in population databases (gnomAD no frequency). This premature translational stop signal has been observed in individual(s) with familial adenomatous polyposis (FAP) (PMID: 12894596, 15951963, 20685668). ClinVar contains an entry for this variant (Variation ID: 1074002). This variant is expected to disrupt the EB1 and HDLG binding sites, which mediate interactions with the cytoskeleton (PMID: 15311282, 17293347). While functional studies have not been performed to directly test the effect on APC protein function, this suggests that disruption of the C-terminal portion of the protein is functionally important. A different truncation (p.Tyr2645Lysfs*14) that lies downstream of this variant has been determined to be pathogenic (PMID: 9824584, 1316610, 27081525, 8381579, 22135120, internal data). This suggests that deletion of this region of the APC protein is causative of disease. For these reasons, this variant has been classified as Pathogenic.

Myriad Genetics, Inc.
Classification: Pathogenic for Familial adenomatous polyposis 1. Last evaluated: 2023-05-05. Review status: criteria provided, single submitter. Criteria: Myriad Autosomal Dominant, Autosomal Recessive and X-Linked Classification Criteria (2023). Collection method: clinical testing. Allele origin: unknown.
Comment: This variant is considered pathogenic. This variant creates a termination codon and is predicted to result in premature protein truncation.

Ambry Genetics
Classification: Pathogenic for Hereditary cancer-predisposing syndrome. Last evaluated: 2019-08-30. Review status: criteria provided, single submitter. Criteria: Ambry Variant Classification Scheme 2023. Collection method: clinical testing. Allele origin: germline.
Comment: The p.Q1035* pathogenic mutation (also known as c.3103C>T), located in coding exon 15 of the APC gene, results from a C to T substitution at nucleotide position 3103. This changes the amino acid from a glutamine to a stop codon within coding exon 15. This alteration was identified in 1/934 French patients with Familal Adenomatous Polyposis (FAP) (Lagarde A et al. J. Med. Genet., 2010 Oct;47:721-2). In addition to the clinical data presented in the literature, this alteration is expected to result in loss of function by premature protein truncation. As such, this alteration is interpreted as a disease-causing mutation.

Literature cited by the submitters: PubMed 12894596 (cited by Labcorp Genetics (formerly Invitae), Labcorp); PubMed 15951963 (cited by Labcorp Genetics (formerly Invitae), Labcorp); PubMed 20685668 (cited by Labcorp Genetics (formerly Invitae), Labcorp and Ambry Genetics); PubMed 15311282 (cited by Labcorp Genetics (formerly Invitae), Labcorp); PubMed 17293347 (cited by Labcorp Genetics (formerly Invitae), Labcorp); PubMed 9824584 (cited by Labcorp Genetics (formerly Invitae), Labcorp); PubMed 1316610 (cited by Labcorp Genetics (formerly Invitae), Labcorp); PubMed 27081525 (cited by Labcorp Genetics (formerly Invitae), Labcorp); PubMed 8381579 (cited by Labcorp Genetics (formerly Invitae), Labcorp); PubMed 22135120 (cited by Labcorp Genetics (formerly Invitae), Labcorp); PubMed 23085758 (cited by Ambry Genetics); PubMed 28481359 (cited by Ambry Genetics).

NM_000038.6(APC):c.3103C>T (p.Gln1035Ter)

Gene: APC (APC regulator of Wnt signaling pathway; plus strand). Cytogenetic location: 5q22.2.
Variant type: single nucleotide variant.
Coding change: c.3103C>T on transcript NM_000038.6 (MANE Select); coding-DNA position 3103, C replaced by T.
Protein change: p.Gln1035Ter; replaces glutamine 1035 with a stop codon.
Molecular consequence: nonsense.
Genome position (GRCh38, 1-based): chr5:112,838,697, C>T. VCF-style: chr5-112838697-C-T. GRCh37 (hg19) VCF-style: chr5-112174394-C-T.
Other names: c.3103C>T, p.Gln1035Ter (NM_001127510.3, NM_001354895.2); c.3049C>T, p.Gln1017Ter (NM_001127511.3); c.3157C>T, p.Gln1053Ter (NM_001354896.2); c.3133C>T, p.Gln1045Ter (NM_001354897.2); c.3028C>T, p.Gln1010Ter (NM_001354898.2); c.3019C>T, p.Gln1007Ter (NM_001354899.2); c.2980C>T, p.Gln994Ter (NM_001354900.2); c.2926C>T, p.Gln976Ter (NM_001354901.2); and 5 more; short protein forms Q1007*, Q1010*, Q1017*, Q1035*, Q1045*, Q1053*, Q752*, Q875*.
Identifiers: ClinVar variation 1074002 (VCV001074002.14), dbSNP rs2149884384, ClinGen allele CA16028132.